The following is an entry in ClinVar:

ClinVar aggregate classification (germline): Uncertain significance (1 of 4 stars; one submission).

Submission:

GeneDx
Classification: Uncertain significance. Last evaluated: 2026-02-15. Review status: criteria provided, single submitter. Criteria: GeneDx Variant Classification Process June 2021. Collection method: clinical testing. Allele origin: germline.
Comment: Not observed at significant frequency in large population cohorts (gnomAD); Nonsense variant predicted to result in protein truncation as the last 30 amino acid(s) are lost; Has not been previously published as pathogenic or benign to our knowledge

NM_001128.6(AP1G1):c.2377C>T (p.Arg793Ter)

Gene: AP1G1 (adaptor related protein complex 1 subunit gamma 1; minus strand). Cytogenetic location: 16q22.2.
Variant type: single nucleotide variant.
Coding change: c.2377C>T on transcript NM_001128.6 (MANE Select); coding-DNA position 2377, C replaced by T.
Protein change: p.Arg793Ter; replaces arginine 793 with a stop codon.
Molecular consequence: nonsense.
Genome position (GRCh38, 1-based): chr16:71,733,150, G>A on the plus strand (C>T on the coding strand, the complement: AP1G1 is on the minus strand). VCF-style: chr16-71733150-G-A. GRCh37 (hg19) VCF-style: chr16-71767053-G-A.
Other names: c.2386C>T, p.Arg796Ter (NM_001030007.2); short protein forms R793*, R796*.
Identifiers: ClinVar variation 4071651 (VCV004071651.2).